The following is an entry in ClinVar:

NM_020859.4(SHROOM3):c.316G>C (p.Val106Leu)

Gene: SHROOM3 (shroom family member 3; plus strand). Cytogenetic location: 4q21.1.
Variant type: single nucleotide variant.
Coding change: c.316G>C on transcript NM_020859.4 (MANE Select); coding-DNA position 316, G replaced by C.
Protein change: p.Val106Leu; replaces valine 106 with leucine.
Molecular consequence: missense variant.
Genome position (GRCh38, 1-based): chr4:76,555,756, G>C. VCF-style: chr4-76555756-G-C. GRCh37 (hg19) VCF-style: chr4-77476909-G-C.
Other names: short protein forms V106L.
Identifiers: ClinVar variation 3055367 (VCV003055367.4), dbSNP rs144913986, ClinGen allele CA2972031.

ClinVar aggregate classification (germline): Likely benign. Review status: criteria provided, single submitter (1 of 4 stars). 2 submissions from 2 submitters: Likely benign (1). 1 of the submissions does not count toward it. Last evaluated 2026-04-01.

Conditions:
SHROOM3-related disorder. Also called: SHROOM3-related condition.

Allele frequency attached by ClinVar (database versions not stated): gnomAD exomes 0.00041; ExAC 0.00067; gnomAD 0.00093; TOPMed 0.00111; ESP Exome Variant Server 0.00115; 1000 Genomes Project 30x 0.00125; 1000 Genomes Project 0.00140.
gnomAD v4.1: 799 of 1,612,848 alleles (0.05%); highest among the groups gnomAD compares: Middle Eastern, 0.58%; no homozygotes.

Submissions (2):

CeGaT Center for Human Genetics Tuebingen
Classification: Likely benign. Last evaluated: 2026-04-01. Review status: criteria provided, single submitter. Criteria: CeGaT Center For Human Genetics Tuebingen Variant Classification Criteria Version 2. Collection method: clinical testing. Allele origin: germline. Affected: yes. Observed: 1 variant allele.
Comment: SHROOM3: BS1

PreventionGenetics, part of Exact Sciences
Classification: Likely benign for SHROOM3-related condition. Last evaluated: 2022-08-29. Review status: no assertion criteria provided. Collection method: clinical testing. Allele origin: germline. Not counted in ClinVar's aggregate classification.
Comment: This variant is classified as likely benign based on ACMG/AMP sequence variant interpretation guidelines (Richards et al. 2015 PMID: 25741868, with internal and published modifications).